The following is an entry in ClinVar:

ClinVar aggregate classification (germline): Uncertain significance (1 of 4 stars; one submission).

gnomAD v4.1: 1 of 1,613,726 alleles (0.000062%); no homozygotes.

Submission:

Labcorp Genetics (formerly Invitae), Labcorp
Classification: Uncertain significance. Last evaluated: 2025-06-18. Review status: criteria provided, single submitter. Criteria: Invitae Variant Classification Sherloc (09022015). Collection method: clinical testing. Allele origin: germline.
Comment: This sequence change replaces arginine, which is basic and polar, with leucine, which is neutral and non-polar, at codon 1206 of the SUCO protein (p.Arg1206Leu). This variant is not present in population databases (gnomAD no frequency). This variant has not been reported in the literature in individuals affected with SUCO-related conditions. An algorithm developed to predict the effect of missense changes on protein structure and function (PolyPhen-2) suggests that this variant is likely to be disruptive. In summary, the available evidence is currently insufficient to determine the role of this variant in disease. Therefore, it has been classified as a Variant of Uncertain Significance.

NM_014283.5(SUCO):c.3617G>T (p.Arg1206Leu)

Gene: SUCO (SUN domain containing ossification factor; plus strand). Cytogenetic location: 1q24.3.
Variant type: single nucleotide variant.
Coding change: c.3617G>T on transcript NM_014283.5 (MANE Select); coding-DNA position 3617, G replaced by T.
Protein change: p.Arg1206Leu; replaces arginine 1206 with leucine.
Molecular consequence: missense variant.
Genome position (GRCh38, 1-based): chr1:172,610,111, G>T. VCF-style: chr1-172610111-G-T. GRCh37 (hg19) VCF-style: chr1-172579251-G-T.
Other names: c.2504G>T, p.Arg835Leu (NM_001282750.2); c.1928G>T, p.Arg643Leu (NM_001282751.2); c.4070G>T, p.Arg1357Leu (NM_016227.4); short protein forms R643L, R1206L, R1357L, R835L.
Identifiers: ClinVar variation 4708623 (VCV004708623.1).